The following is an entry in ClinVar:

ClinVar aggregate classification (germline): Uncertain significance. Review status: criteria provided, multiple submitters, no conflicts (2 of 4 stars). 3 submissions from 3 submitters: Uncertain significance (3). Last evaluated 2025-07-30.

Conditions:
Congenital myasthenic syndrome 20. Also called: Myasthenic syndrome, congenital, 20, presynaptic. Identifiers: MedGen C4310694, MONDO:0014939, OMIM 617143.
Neuronopathy, distal hereditary motor, type 7A. Also called: Neuronopathy, distal hereditary motor, type viia; SPINAL MUSCULAR ATROPHY, DISTAL, WITH VOCAL CORD PARALYSIS; NEURONOPATHY, DISTAL HEREDITARY MOTOR, HARDING TYPE VIIA; NEUROPATHY, DISTAL HEREDITARY MOTOR, HARDING TYPE VIIA; Neuronopathy, distal hereditary motor, autosomal dominant 7; HARPER-YOUNG MYOPATHY. Identifiers: Orphanet 139589, MedGen C1834703, MONDO:0008024, OMIM 158580.
Inborn genetic diseases. Identifiers: MedGen C0950123, MeSH D030342.

Allele frequency attached by ClinVar (database versions not stated): gnomAD exomes 0.00001 and 0.00002; TOPMed 0.00001; ExAC 0.00001; gnomAD 0.00001.
gnomAD v4.1: 19 of 1,614,036 alleles (0.0012%); highest among the groups gnomAD compares: Non-Finnish European, 0.0015%; no homozygotes.

Submissions (3):

Labcorp Genetics (formerly Invitae), Labcorp
Classification: Uncertain significance for Neuronopathy, distal hereditary motor, type 7A; Congenital myasthenic syndrome 20. Last evaluated: 2025-07-30. Review status: criteria provided, single submitter. Criteria: Invitae Variant Classification Sherloc (09022015). Collection method: clinical testing. Allele origin: germline.
Comment: This sequence change replaces glutamic acid, which is acidic and polar, with lysine, which is basic and polar, at codon 40 of the SLC5A7 protein (p.Glu40Lys). This variant is present in population databases (rs760447400, gnomAD 0.003%). This variant has not been reported in the literature in individuals affected with SLC5A7-related conditions. ClinVar contains an entry for this variant (Variation ID: 581108). Invitae Evidence Modeling of protein sequence and biophysical properties (such as structural, functional, and spatial information, amino acid conservation, physicochemical variation, residue mobility, and thermodynamic stability) indicates that this missense variant is expected to disrupt SLC5A7 protein function with a positive predictive value of 80%. In summary, the available evidence is currently insufficient to determine the role of this variant in disease. Therefore, it has been classified as a Variant of Uncertain Significance.

GeneDx
Classification: Uncertain significance. Last evaluated: 2022-12-15. Review status: criteria provided, single submitter. Criteria: GeneDx Variant Classification Process June 2021. Collection method: clinical testing. Allele origin: germline. Affected: yes.
Comment: In silico analysis supports that this missense variant has a deleterious effect on protein structure/function; Has not been previously published as pathogenic or benign to our knowledge

Ambry Genetics
Classification: Uncertain significance for Inborn genetic diseases. Last evaluated: 2021-09-04. Review status: criteria provided, single submitter. Criteria: Ambry Variant Classification Scheme 2023. Collection method: clinical testing. Allele origin: germline.
Comment: The p.E40K variant (also known as c.118G>A), located in coding exon 1 of the SLC5A7 gene, results from a G to A substitution at nucleotide position 118. The glutamic acid at codon 40 is replaced by lysine, an amino acid with similar properties. This amino acid position is conserved. In addition, this alteration is predicted to be deleterious by in silico analysis. Since supporting evidence is limited at this time, the clinical significance of this alteration remains unclear.

NM_021815.5(SLC5A7):c.118G>A (p.Glu40Lys)

Gene: SLC5A7 (solute carrier family 5 member 7; plus strand). Cytogenetic location: 2q12.3.
Variant type: single nucleotide variant.
Coding change: c.118G>A on transcript NM_021815.5 (MANE Select); coding-DNA position 118, G replaced by A.
Protein change: p.Glu40Lys; replaces glutamic acid 40 with lysine.
Molecular consequence: missense variant. On other transcripts: 5 prime UTR variant (1), intron variant (1).
Genome position (GRCh38, 1-based): chr2:107,988,273, G>A. VCF-style: chr2-107988273-G-A. GRCh37 (hg19) VCF-style: chr2-108604729-G-A.
Other names: c.118G>A, p.Glu40Lys (NM_001305005.3); c.-587G>A (NM_001305007.3); c.-138+1510G>A (NM_001305006.3); short protein forms E40K.
Identifiers: ClinVar variation 581108 (VCV000581108.10), dbSNP rs760447400, ClinGen allele CA1818882.
Genomic context (GRCh38, chr2:107,988,273, plus strand): 5'-CTGGTTGGAATATGGGCTGCCTGGAGAACCAAAAACAGTGGCAGCGCAGAAGAGCGCAGC[G>A]AAGCCATCATAGTTGGTGGCCGAGATATTGGTTTATTGGTTGGTGGATTTACCATGACAG-3'
Protein context (NP_068587.1, residues 30-50): KNSGSAEERS[Glu40Lys]AIIVGGRDIG